The following is an entry in ClinVar:

NM_000179.3(MSH6):c.1993G>A (p.Glu665Lys)

Gene: MSH6 (mutS homolog 6; plus strand). Cytogenetic location: 2p16.3.
Variant type: single nucleotide variant.
Coding change: c.1993G>A on transcript NM_000179.3 (MANE Select); coding-DNA position 1993, G replaced by A.
Protein change: p.Glu665Lys; replaces glutamic acid 665 with lysine.
Molecular consequence: missense variant.
Genome position (GRCh38, 1-based): chr2:47,799,976, G>A. VCF-style: chr2-47799976-G-A. GRCh37 (hg19) VCF-style: chr2-48027115-G-A.
Other names: c.1825G>A, p.Glu609Lys (NM_001406826.1); c.1696G>A, p.Glu566Lys (NM_001406827.1, NM_001406828.1, NM_001406830.1 and 10 more transcripts); c.1087G>A, p.Glu363Lys (NM_001406829.1, NM_001281493.2, NM_001281494.2 and 6 more transcripts); c.1603G>A, p.Glu535Lys (NM_001281492.2); c.2089G>A, p.Glu697Lys (NM_001406795.1, NM_001406802.1); c.1993G>A, p.Glu665Lys (NM_001406796.1, NM_001406798.1, NM_001406800.1 and 3 more transcripts); c.1468G>A, p.Glu490Lys (NM_001406799.1, NM_001406806.1, NM_001406807.1); c.1915G>A, p.Glu639Lys (NM_001406804.1); and 1 more; short protein forms E363K, E535K, E566K, E639K, E665K, E697K, E667K, E490K.
Identifiers: ClinVar variation 1784014 (VCV001784014.2), dbSNP rs1333555322, ClinGen allele CA346750652.

ClinVar aggregate classification (germline): Uncertain significance (1 of 4 stars; one submission).

Conditions:
Hereditary cancer-predisposing syndrome. Also called: Neoplastic Syndromes, Hereditary; Tumor predisposition; Hereditary Cancer Syndrome; Hereditary neoplastic syndrome. Identifiers: Orphanet 140162, MedGen C0027672, MeSH D009386, MONDO:0015356.

Allele frequency attached by ClinVar (database versions not stated): gnomAD exomes below 0.00001.
gnomAD v4.1: 1 of 1,614,090 alleles (0.000062%); highest among the groups gnomAD compares: South Asian, 0.0011%; no homozygotes.

Submission:

Ambry Genetics
Classification: Uncertain significance for Hereditary cancer-predisposing syndrome. Last evaluated: 2020-12-15. Review status: criteria provided, single submitter. Criteria: Ambry Variant Classification Scheme 2023. Collection method: clinical testing. Allele origin: germline.
Comment: The p.E665K variant (also known as c.1993G>A), located in coding exon 4 of the MSH6 gene, results from a G to A substitution at nucleotide position 1993. The glutamic acid at codon 665 is replaced by lysine, an amino acid with similar properties. This amino acid position is well conserved in available vertebrate species. In addition, the in silico prediction for this alteration is inconclusive. Since supporting evidence is limited at this time, the clinical significance of this alteration remains unclear.